The following is an entry in ClinVar:

ClinVar aggregate classification (germline): Uncertain significance (1 of 4 stars; one submission).

Conditions:
Hereditary spastic paraplegia 4. Also called: Spastic Paraplegia 4; Familial spastic paraplegia autosomal dominant 2; Spastic paraplegia 4, autosomal dominant. Identifiers: Orphanet 100985, MedGen C1866855, MONDO:0008438, OMIM 182601.

gnomAD v4.1: 5 of 1,613,022 alleles (0.00031%); highest among the groups gnomAD compares: Non-Finnish European, 0.00042%; no homozygotes.

Submission:

Labcorp Genetics (formerly Invitae), Labcorp
Classification: Uncertain significance for Hereditary spastic paraplegia 4. Last evaluated: 2025-03-13. Review status: criteria provided, single submitter. Criteria: Invitae Variant Classification Sherloc (09022015). Collection method: clinical testing. Allele origin: germline.
Comment: This sequence change replaces leucine, which is neutral and non-polar, with phenylalanine, which is neutral and non-polar, at codon 78 of the SPAST protein (p.Leu78Phe). This variant is not present in population databases (gnomAD no frequency). This variant has not been reported in the literature in individuals affected with SPAST-related conditions. Invitae Evidence Modeling of protein sequence and biophysical properties (such as structural, functional, and spatial information, amino acid conservation, physicochemical variation, residue mobility, and thermodynamic stability) has been performed for this missense variant. However, the output from this modeling did not meet the statistical confidence thresholds required to predict the impact of this variant on SPAST protein function. In summary, the available evidence is currently insufficient to determine the role of this variant in disease. Therefore, it has been classified as a Variant of Uncertain Significance.

NM_014946.4(SPAST):c.232C>T (p.Leu78Phe)

Gene: SPAST (spastin; plus strand). Cytogenetic location: 2p22.3.
Variant type: single nucleotide variant.
Coding change: c.232C>T on transcript NM_014946.4 (MANE Select); coding-DNA position 232, C replaced by T.
Protein change: p.Leu78Phe; replaces leucine 78 with phenylalanine.
Molecular consequence: missense variant.
Genome position (GRCh38, 1-based): chr2:32,064,063, C>T. VCF-style: chr2-32064063-C-T. GRCh37 (hg19) VCF-style: chr2-32289132-C-T.
Other names: c.232C>T, p.Leu78Phe (NM_001363823.2, NM_001363875.2, NM_001377959.1 and 1 more transcripts); short protein forms L78F.
Identifiers: ClinVar variation 3705964 (VCV003705964.2).